The following is an entry in ClinVar:

NM_206933.4(USH2A):c.5573-11C>G

Genes: USH2A (usherin; minus strand), USH2A-AS2 (USH2A antisense RNA 2; plus strand). Cytogenetic location: 1q41.
Variant type: single nucleotide variant.
Coding change: c.5573-11C>G on transcript NM_206933.4 (MANE Select); 11 bases into the intron before coding-DNA position 5573, C replaced by G.
Molecular consequence: intron variant.
Genome position (GRCh38, 1-based): chr1:216,073,311, G>C on the plus strand (C>G on the coding strand, the complement: USH2A is on the minus strand). VCF-style: chr1-216073311-G-C. GRCh37 (hg19) VCF-style: chr1-216246653-G-C.
Identifiers: ClinVar variation 4073591 (VCV004073591.1).

ClinVar aggregate classification (germline): Uncertain significance (1 of 4 stars; one submission).

Conditions:
Retinitis pigmentosa (RP). Identifiers: Orphanet 791, MedGen C0035334, MeSH D012174, MONDO:0019200, OMIM 268000. Inheritance: Autosomal dominant, autosomal recessive and X linked inheritance.

gnomAD v4.1: 1 of 1,593,446 alleles (0.000063%); highest among the groups gnomAD compares: Non-Finnish European, 0.000085%; no homozygotes.

Submission:

DNA-diagnostics Laboratory, Research Centre For Medical Genetics
Classification: Uncertain significance for Retinitis pigmentosa. Review status: criteria provided, single submitter. Criteria: ACMG Guidelines, 2015. Collection method: clinical testing. Allele origin: germline. Inheritance: Autosomal recessive inheritance. Affected: yes. Observed: 1 heterozygote.
Comment: The c.5573-11C>G variant in USH2A is located in the acceptor splice site region. Splice_ai (Δ score: Acceptor Loss-0.31, Acceptor Gain-0.39), mmsplice, squirls, and spip algorithms predict that this variant is likely pathogenic, while NetGene2 and NNSPLICE 0.9 predict that it is neutral.This variant is not present in population databases (gnomAD no frequency). For these reasons, this variant should be classified as a variant of uncertain clinical significance (PM2, PP3).